The following is an entry in ClinVar:

NM_003331.5(TYK2):c.2644C>G (p.Pro882Ala)

Gene: TYK2 (tyrosine kinase 2; minus strand). Cytogenetic location: 19p13.2.
Variant type: single nucleotide variant.
Coding change: c.2644C>G on transcript NM_003331.5 (MANE Select); coding-DNA position 2644, C replaced by G.
Protein change: p.Pro882Ala; replaces proline 882 with alanine.
Molecular consequence: missense variant.
Genome position (GRCh38, 1-based): chr19:10,354,583, G>C on the plus strand (C>G on the coding strand, the complement: TYK2 is on the minus strand). VCF-style: chr19-10354583-G-C. GRCh37 (hg19) VCF-style: chr19-10465259-G-C.
Other names: c.2644C>G, p.Pro882Ala (NM_001385197.1, NM_001385198.1, NM_001406461.1); c.2458C>G, p.Pro820Ala (NM_001385199.1); c.2641C>G, p.Pro881Ala (NM_001385200.1); c.2446C>G, p.Pro816Ala (NM_001385201.1); c.2560C>G, p.Pro854Ala (NM_001385202.1); c.2725C>G, p.Pro909Ala (NM_001385203.1); c.2854C>G, p.Pro952Ala (NM_001385204.1); c.2554C>G, p.Pro852Ala (NM_001385205.1); and 2 more; short protein forms P881A, P909A, P816A, P852A, P854A, P876A, P952A, P882A.
Identifiers: ClinVar variation 2111022 (VCV002111022.4), dbSNP rs1242204488, ClinGen allele CA403990110.

ClinVar aggregate classification (germline): Uncertain significance (1 of 4 stars; one submission).

Conditions:
Immunodeficiency 35 (IMD35). Also called: HYPER-IgE SYNDROME WITH ATYPICAL MYCOBACTERIOSIS, AUTOSOMAL RECESSIVE; TYK2 DEFICIENCY; HIES WITH ATYPICAL MYCOBACTERIOSIS, AUTOSOMAL RECESSIVE; Susceptibility to infection due to TYK2 deficiency. Identifiers: Orphanet 331226, MedGen C1969086, MONDO:0012682, OMIM 611521.

Submission:

Labcorp Genetics (formerly Invitae), Labcorp
Classification: Uncertain significance for Immunodeficiency 35. Last evaluated: 2022-03-13. Review status: criteria provided, single submitter. Criteria: Invitae Variant Classification Sherloc (09022015). Collection method: clinical testing. Allele origin: germline.
Comment: In summary, the available evidence is currently insufficient to determine the role of this variant in disease. Therefore, it has been classified as a Variant of Uncertain Significance. This sequence change replaces proline, which is neutral and non-polar, with alanine, which is neutral and non-polar, at codon 882 of the TYK2 protein (p.Pro882Ala). This variant is not present in population databases (gnomAD no frequency). This variant has not been reported in the literature in individuals affected with TYK2-related conditions. Algorithms developed to predict the effect of missense changes on protein structure and function are either unavailable or do not agree on the potential impact of this missense change (SIFT: "Not Available"; PolyPhen-2: "Benign"; Align-GVGD: "Not Available").